The following is an entry in ClinVar:

ClinVar aggregate classification (germline): Uncertain significance (1 of 4 stars; one submission).

Conditions:
Familial cancer of breast. Also called: Hereditary breast cancer; BREAST CANCER, FAMILIAL; hereditary breast carcinoma. Identifiers: Orphanet 227535, MedGen C0346153, MONDO:0016419, OMIM 114480. Disease mechanism: loss of function.
Fanconi anemia complementation group J. Also called: BRIP1-Related Fanconi Anemia. Identifiers: Orphanet 84, MedGen C1836860, MONDO:0012187, OMIM 609054.

gnomAD v4.1: 1 of 1,613,624 alleles (0.000062%); no homozygotes.

Submission:

Labcorp Genetics (formerly Invitae), Labcorp
Classification: Uncertain significance for Familial cancer of breast; Fanconi anemia complementation group J. Last evaluated: 2024-09-16. Review status: criteria provided, single submitter. Criteria: Invitae Variant Classification Sherloc (09022015). Collection method: clinical testing. Allele origin: germline.
Comment: This sequence change replaces aspartic acid, which is acidic and polar, with glycine, which is neutral and non-polar, at codon 1210 of the BRIP1 protein (p.Asp1210Gly). This variant is not present in population databases (gnomAD no frequency). This variant has not been reported in the literature in individuals affected with BRIP1-related conditions. ClinVar contains an entry for this variant (Variation ID: 958216). An algorithm developed to predict the effect of missense changes on protein structure and function outputs the following: PolyPhen-2: "Benign". The glycine amino acid residue is found in multiple mammalian species, which suggests that this missense change does not adversely affect protein function. In summary, the available evidence is currently insufficient to determine the role of this variant in disease. Therefore, it has been classified as a Variant of Uncertain Significance.

NM_032043.3(BRIP1):c.3629A>G (p.Asp1210Gly)

Gene: BRIP1 (BRCA1 interacting DNA helicase 1; minus strand). Cytogenetic location: 17q23.2.
Variant type: single nucleotide variant.
Coding change: c.3629A>G on transcript NM_032043.3 (MANE Select); coding-DNA position 3629, A replaced by G.
Protein change: p.Asp1210Gly; replaces aspartic acid 1210 with glycine.
Molecular consequence: missense variant.
Genome position (GRCh38, 1-based): chr17:61,683,417, T>C on the plus strand (A>G on the coding strand, the complement: BRIP1 is on the minus strand). VCF-style: chr17-61683417-T-C. GRCh37 (hg19) VCF-style: chr17-59760778-T-C.
Other names: short protein forms D1210G.
Identifiers: ClinVar variation 958216 (VCV000958216.10), dbSNP rs112214651, ClinGen allele CA292267123.